The following is an entry in ClinVar:

NM_000059.4(BRCA2):c.9430T>C (p.Ser3144Pro)

Gene: BRCA2 (BRCA2 DNA repair associated; plus strand). Cytogenetic location: 13q13.1.
Variant type: single nucleotide variant.
Coding change: c.9430T>C on transcript NM_000059.4 (MANE Select); coding-DNA position 9430, T replaced by C.
Protein change: p.Ser3144Pro; replaces serine 3144 with proline.
Molecular consequence: missense variant.
Genome position (GRCh38, 1-based): chr13:32,394,862, T>C. VCF-style: chr13-32394862-T-C. GRCh37 (hg19) VCF-style: chr13-32968999-T-C.
Other names: c.9334T>C, p.Ser3112Pro (NM_001406719.1); c.9379T>C, p.Ser3127Pro (NM_001406720.1); c.4498T>C, p.Ser1500Pro (NM_001406721.1); c.3013T>C, p.Ser1005Pro (NM_001406722.1); short protein forms S1005P, S3144P, S3112P, S3127P, S1500P.
Identifiers: ClinVar variation 1766947 (VCV001766947.2), dbSNP rs2548562407, ClinGen allele CA387761526.

ClinVar aggregate classification (germline): Uncertain significance (1 of 4 stars; one submission).

Conditions:
Hereditary cancer-predisposing syndrome. Also called: Hereditary Cancer Syndrome; Hereditary neoplastic syndrome; Neoplastic Syndromes, Hereditary; Tumor predisposition. Identifiers: Orphanet 140162, MedGen C0027672, MeSH D009386, MONDO:0015356.

Submission:

Ambry Genetics
Classification: Uncertain significance for Hereditary cancer-predisposing syndrome. Last evaluated: 2017-10-25. Review status: criteria provided, single submitter. Criteria: Ambry Variant Classification Scheme 2023. Collection method: clinical testing. Allele origin: germline.
Comment: The p.S3144P variant (also known as c.9430T>C), located in coding exon 24 of the BRCA2 gene, results from a T to C substitution at nucleotide position 9430. The serine at codon 3144 is replaced by proline, an amino acid with similar properties. This amino acid position is highly conserved in available vertebrate species. In addition, this alteration is predicted to be deleterious by in silico analysis. Since supporting evidence is limited at this time, the clinical significance of this alteration remains unclear.